The following is an entry in ClinVar:

NC_000015.9:g.(?_28234727)_(28234832_?)del

Gene: OCA2 (OCA2 melanosomal transmembrane protein; minus strand). Cytogenetic location: 15q13.1.
Variant type: Deletion.
Identifiers: ClinVar variation 2422771 (VCV002422771.4).

ClinVar aggregate classification (germline): Pathogenic (1 of 4 stars; one submission).

Submission:

Labcorp Genetics (formerly Invitae), Labcorp
Classification: Pathogenic. Last evaluated: 2023-10-16. Review status: criteria provided, single submitter. Criteria: Invitae Variant Classification Sherloc (09022015). Collection method: clinical testing. Allele origin: germline.
Comment: This variant is a gross deletion of the genomic region encompassing exon(s) 11 of the OCA2 gene. This variant would be expected to be in-frame, preserving the integrity of the reading frame. A similar copy number variant has been observed in individual(s) with ocular albinism (PMID: 31229681). In at least one individual the data is consistent with being in trans (on the opposite chromosome) from a pathogenic variant. For these reasons, this variant has been classified as Pathogenic.

Literature cited by the submitters: PubMed 31229681.